The following is an entry in ClinVar:

NM_000092.5(COL4A4):c.4555A>C (p.Thr1519Pro)

Gene: COL4A4 (collagen type IV alpha 4 chain; minus strand). Cytogenetic location: 2q36.3.
Variant type: single nucleotide variant.
Coding change: c.4555A>C on transcript NM_000092.5 (MANE Select); coding-DNA position 4555, A replaced by C.
Protein change: p.Thr1519Pro; replaces threonine 1519 with proline.
Molecular consequence: missense variant.
Genome position (GRCh38, 1-based): chr2:227,008,272, T>G on the plus strand (A>C on the coding strand, the complement: COL4A4 is on the minus strand). VCF-style: chr2-227008272-T-G. GRCh37 (hg19) VCF-style: chr2-227872988-T-G.
Other names: short protein forms T1519P.
Identifiers: ClinVar variation 3017699 (VCV003017699.3), dbSNP rs1031350364, ClinGen allele CA67238303.

ClinVar aggregate classification (germline): Uncertain significance (1 of 4 stars; one submission).

Submission:

Labcorp Genetics (formerly Invitae), Labcorp
Classification: Uncertain significance. Last evaluated: 2024-10-15. Review status: criteria provided, single submitter. Criteria: Invitae Variant Classification Sherloc (09022015). Collection method: clinical testing. Allele origin: germline.
Comment: This sequence change replaces threonine, which is neutral and polar, with proline, which is neutral and non-polar, at codon 1519 of the COL4A4 protein (p.Thr1519Pro). This variant is not present in population databases (gnomAD no frequency). This variant has not been reported in the literature in individuals affected with COL4A4-related conditions. Invitae Evidence Modeling of protein sequence and biophysical properties (such as structural, functional, and spatial information, amino acid conservation, physicochemical variation, residue mobility, and thermodynamic stability) indicates that this missense variant is not expected to disrupt COL4A4 protein function with a negative predictive value of 95%. In summary, the available evidence is currently insufficient to determine the role of this variant in disease. Therefore, it has been classified as a Variant of Uncertain Significance.